The following is an entry in ClinVar:

NM_001939.3(DRP2):c.1576dup (p.Cys526fs)

Gene: DRP2 (dystrophin related protein 2; plus strand). Cytogenetic location: Xq22.1.
Variant type: Duplication.
Coding change: c.1576dup on transcript NM_001939.3 (MANE Select); coding-DNA position 1576, one base duplicated (T; older notation c.1576dupT).
Protein change: p.Cys526fs; shifts the reading frame from cysteine 526.
Molecular consequence: frameshift variant.
Genome position (GRCh38, 1-based): chrX:101,250,458, T duplicated. VCF-style (leftmost placement, unchanged base first): chrX-101250457-G-GT. GRCh37 (hg19) VCF-style: chrX-100505446-G-GT.
Other names: c.1342dup, p.Cys448fs (NM_001171184.2); short protein forms C448fs, C526fs.
Identifiers: ClinVar variation 3067758 (VCV003067758.21), dbSNP rs2520281103, ClinGen allele CA2825002907.

ClinVar aggregate classification (germline): Uncertain significance (1 of 4 stars; one submission).

Submission:

CeGaT Center for Human Genetics Tuebingen
Classification: Uncertain significance. Last evaluated: 2024-03-01. Review status: criteria provided, single submitter. Criteria: CeGaT Center For Human Genetics Tuebingen Variant Classification Criteria Version 2. Collection method: clinical testing. Allele origin: germline. Affected: yes. Observed: 1 variant allele.
Comment: DRP2: PM2